The following is an entry in ClinVar:

ClinVar aggregate classification (germline): Pathogenic (1 of 4 stars; one submission).

Submission:

Labcorp Genetics (formerly Invitae), Labcorp
Classification: Pathogenic. Last evaluated: 2023-10-15. Review status: criteria provided, single submitter. Criteria: Invitae Variant Classification Sherloc (09022015). Collection method: clinical testing. Allele origin: germline.
Comment: This variant is a gross deletion of the genomic region encompassing exon(s) 2-9 of the PRPF31 gene, which includes the initiator codon. This deletion extends beyond the assayed region for this gene and therefore may encompass additional genes. It is expected to result in an absent or disrupted protein product. Loss-of-function variants in PRPF31 are known to be pathogenic (PMID: 18317597, 23950152). This variant has not been reported in the literature in individuals affected with PRPF31-related conditions. For these reasons, this variant has been classified as Pathogenic.

Literature cited by the submitters: PubMed 18317597; PubMed 23950152.

NC_000019.9:g.(?_54621659)_(54630012_?)del

Gene: PRPF31 (pre-mRNA processing factor 31; plus strand). Cytogenetic location: 19q13.42.
Variant type: Deletion.
Identifiers: ClinVar variation 1458971 (VCV001458971.6).